The following is an entry in ClinVar:

NM_001134225.2(INPP4A):c.1269C>T (p.Tyr423=)

Gene: INPP4A (inositol polyphosphate-4-phosphatase type I A; plus strand). Cytogenetic location: 2q11.2.
Variant type: single nucleotide variant.
Coding change: c.1269C>T on transcript NM_001134225.2 (MANE Select); coding-DNA position 1269, C replaced by T.
Protein change: p.Tyr423=; no amino-acid change (tyrosine 423 retained).
Molecular consequence: synonymous variant.
Genome position (GRCh38, 1-based): chr2:98,552,891, C>T. VCF-style: chr2-98552891-C-T. GRCh37 (hg19) VCF-style: chr2-99169354-C-T.
Other names: c.1284C>T, p.Tyr428= (NM_001134224.2, NM_001351427.2, NM_001566.2 and 1 more transcripts); c.1287C>T, p.Tyr429= (NM_001351424.1, NM_001351425.2, NM_001351426.2); c.1269C>T, p.Tyr423= (NM_001351428.2, NM_001351429.2).
Identifiers: ClinVar variation 4956232 (VCV004956232.2).

ClinVar aggregate classification (germline): Likely benign. Review status: criteria provided, multiple submitters, no conflicts (2 of 4 stars). 2 submissions from 2 submitters: Likely benign (2). Last evaluated 2026-09-01.

gnomAD v4.1: 446 of 1,613,826 alleles (0.028%); highest among the groups gnomAD compares: South Asian, 0.2%; 2 homozygotes.

Submissions (2):

CeGaT Center for Human Genetics Tuebingen
Classification: Likely benign. Last evaluated: 2026-09-01. Review status: criteria provided, single submitter. Criteria: CeGaT Center For Human Genetics Tuebingen Variant Classification Criteria Version 2. Collection method: clinical testing. Allele origin: germline. Affected: yes. Observed: 1 variant allele.
Comment: INPP4A: BP4, BP7

Blueprint Genetics
Classification: Likely benign. Last evaluated: 2023-12-29. Review status: criteria provided, single submitter. Criteria: ACMG Guidelines, 2015. Collection method: clinical testing. Allele origin: germline.